The following is an entry in ClinVar:

ClinVar aggregate classification (germline): Uncertain significance (1 of 4 stars; one submission).

Conditions:
Hereditary cancer-predisposing syndrome. Also called: Neoplastic Syndromes, Hereditary; Tumor predisposition; Hereditary Cancer Syndrome; Hereditary neoplastic syndrome. Identifiers: Orphanet 140162, MedGen C0027672, MeSH D009386, MONDO:0015356.

gnomAD v4.1: 2 of 1,614,114 alleles (0.00012%); highest among the groups gnomAD compares: Non-Finnish European, 0.00017%; no homozygotes.

Submission:

Ambry Genetics
Classification: Uncertain significance for Hereditary cancer-predisposing syndrome. Last evaluated: 2026-05-04. Review status: criteria provided, single submitter. Criteria: Ambry Variant Classification Scheme 2023. Collection method: clinical testing. Allele origin: germline.
Comment: The p.T633I variant (also known as c.1898C>T), located in coding exon 14 of the PTCH1 gene, results from a C to T substitution at nucleotide position 1898. The threonine at codon 633 is replaced by isoleucine, an amino acid with similar properties. This amino acid position is conserved. In addition, this alteration is predicted to be tolerated by in silico analysis. Based on the available evidence, the clinical significance of this variant remains unclear.

NM_000264.5(PTCH1):c.1898C>T (p.Thr633Ile)

Genes: PTCH1 (patched 1; minus strand), LOC100507346 (uncharacterized LOC100507346; plus strand). Cytogenetic location: 9q22.32.
Variant type: single nucleotide variant.
Coding change: c.1898C>T on transcript NM_000264.5 (MANE Select); coding-DNA position 1898, C replaced by T.
Protein change: p.Thr633Ile; replaces threonine 633 with isoleucine.
Molecular consequence: missense variant. On other transcripts: non-coding transcript variant (2).
Genome position (GRCh38, 1-based): chr9:95,469,103, G>A on the plus strand (C>T on the coding strand, the complement: PTCH1 is on the minus strand). VCF-style: chr9-95469103-G-A. GRCh37 (hg19) VCF-style: chr9-98231385-G-A.
Other names: c.1700C>T, p.Thr567Ile (NM_001083602.3); c.1895C>T, p.Thr632Ile (NM_001083603.3); c.1445C>T, p.Thr482Ile (NM_001083604.3, NM_001083605.3, NM_001083606.3 and 1 more transcripts); c.1742C>T, p.Thr581Ile (NM_001354918.2); short protein forms T482I, T567I, T581I, T632I, T633I.
Identifiers: ClinVar variation 4862690 (VCV004862690.1).
Genomic context (GRCh38, chr9:95,469,103, plus strand): 5'-TCATGGGCAAAGCTGTGGCTGCTGTAGGGAGGTGGGGGGCTGTAGCGGGTATTGTCGTGT[G>A]TGTCGGTGTAGGCCTGAGGTTCAACCTGAATCACTCTGCTGACGCAGGGGCTGAAAGGAG-3'
Protein context (NP_000255.2, residues 623-643): IQVEPQAYTD[Thr633Ile]HDNTRYSPPP